The following is an entry in ClinVar:

NM_000204.5(CFI):c.1150G>A (p.Ala384Thr)

Gene: CFI (complement factor I; minus strand). Cytogenetic location: 4q25.
Variant type: single nucleotide variant.
Coding change: c.1150G>A on transcript NM_000204.5 (MANE Select); coding-DNA position 1150, G replaced by A.
Protein change: p.Ala384Thr; replaces alanine 384 with threonine.
Molecular consequence: missense variant. On other transcripts: non-coding transcript variant (1).
Genome position (GRCh38, 1-based): chr4:109,746,501, C>T on the plus strand (G>A on the coding strand, the complement: CFI is on the minus strand). VCF-style: chr4-109746501-C-T. GRCh37 (hg19) VCF-style: chr4-110667657-C-T.
Other names: c.1150G>A (NM_000204.3); c.1174G>A, p.Ala392Thr (NM_001318057.2, NM_001375278.1); c.1129G>A, p.Ala377Thr (NM_001331035.2, NM_001375280.1, NM_001375282.1); c.1150G>A, p.Ala384Thr (NM_001375279.1, NM_001375281.1); c.1093G>A, p.Ala365Thr (NM_001375283.1); c.541G>A, p.Ala181Thr (NM_001375284.1); short protein forms A365T, A377T, A384T, A181T, A392T.
Identifiers: ClinVar variation 1481445 (VCV001481445.11), dbSNP rs762315947, ClinGen allele CA3041985.

ClinVar aggregate classification (germline): Uncertain significance. Review status: criteria provided, multiple submitters, no conflicts (2 of 4 stars). 6 submissions from 6 submitters: Uncertain significance (6). Last evaluated 2026-04-15.

Conditions:
Age related macular degeneration 13. Identifiers: MedGen C3809523, MONDO:0014189, OMIM 615439.
Factor I deficiency (CFID). Also called: Complement factor I deficiency. Identifiers: Orphanet 200418, MedGen C3463916, MONDO:0012594, OMIM 610984.
Atypical hemolytic-uremic syndrome with I factor anomaly. Also called: HEMOLYTIC UREMIC SYNDROME, ATYPICAL, SUSCEPTIBILITY TO, 3; AHUS, SUSCEPTIBILITY TO, 3. Identifiers: Orphanet 2134, MedGen C2752039, MONDO:0013041, OMIM 612923.
Inborn genetic diseases. Identifiers: MedGen C0950123, MeSH D030342.
Atypical hemolytic-uremic syndrome. Identifiers: Orphanet 2134, MedGen C2931788, MONDO:0016244.

Allele frequency attached by ClinVar (database versions not stated): gnomAD exomes 0.00002 and 0.00008; TOPMed 0.00004; ExAC 0.00005; gnomAD 0.00005.
gnomAD v4.1: 33 of 1,594,724 alleles (0.0021%); highest among the groups gnomAD compares: Admixed American, 0.049%; no homozygotes.

Submissions (6):

Women's Health and Genetics/Laboratory Corporation of America, LabCorp
Classification: Uncertain significance. Last evaluated: 2026-04-15. Review status: criteria provided, single submitter. Criteria: LabCorp Variant Classification Summary - May 2015. Collection method: clinical testing. Allele origin: germline.
Comment: Variant summary: CFI c.1150G>A (p.Ala384Thr) results in a non-conservative amino acid change in the encoded protein sequence. Algorithms developed to predict the effect of missense changes on protein structure and function are either unavailable or do not agree on the potential impact of this missense change. Consensus agreement among computation tools predict no significant impact on normal splicing. However, these predictions have yet to be confirmed by functional studies. The variant allele was found at a frequency of 8.4e-05 in 239186 control chromosomes. This frequency is not significantly higher than estimated for disease-causing variants in CFI, allowing no conclusion about variant significance. c.1150G>A has been observed in an individual affected with atypical hemolytic uremic syndrome (Zhang_2022). These data do not allow any conclusion about variant significance. To our knowledge, no experimental evidence demonstrating an impact on protein function has been reported. The following publication have been ascertained in the context of this evaluation (PMID: 35619721). ClinVar contains an entry for this variant (Variation ID: 1481445). Based on the evidence outlined above, the variant was classified as uncertain significance.

Labcorp Genetics (formerly Invitae), Labcorp
Classification: Uncertain significance. Last evaluated: 2026-01-06. Review status: criteria provided, single submitter. Criteria: Invitae Variant Classification Sherloc (09022015). Collection method: clinical testing. Allele origin: germline.
Comment: This sequence change replaces alanine, which is neutral and non-polar, with threonine, which is neutral and polar, at codon 384 of the CFI protein (p.Ala384Thr). This variant is present in population databases (rs762315947, gnomAD 0.06%). This missense change has been observed in individual(s) with CFI-related conditions (PMID: 35619721). ClinVar contains an entry for this variant (Variation ID: 1481445). An algorithm developed to predict the effect of missense changes on protein structure and function (PolyPhen-2) suggests that this variant is likely to be tolerated. In summary, the available evidence is currently insufficient to determine the role of this variant in disease. Therefore, it has been classified as a Variant of Uncertain Significance.

Ambry Genetics
Classification: Uncertain significance for Inborn genetic diseases. Last evaluated: 2025-10-29. Review status: criteria provided, single submitter. Criteria: Ambry Variant Classification Scheme 2023. Collection method: clinical testing. Allele origin: germline.

Genomenon, Inc
Classification: Uncertain significance for Atypical hemolytic-uremic syndrome. Last evaluated: 2025-09-26. Review status: criteria provided, single submitter. Criteria: Genomenon Sequence Variant Interpretation Standards - Updated. Collection method: curation. Allele origin: germline. Affected: yes.
Comment: CFI p.Ala384Thr (c.1150G>A) is a missense variant that changes the amino acid at residue 384 from Alanine to Threonine. This variant has been observed in at least one proband affected with atypical hemolytic-uremic syndrome (PMID:35619721). In silico models agree that this variant is not damaging. In conclusion, we classify CFI p.Ala384Thr (c.1150G>A) as a variant of unknown significance.

Blueprint Genetics
Classification: Uncertain significance. Last evaluated: 2024-04-25. Review status: criteria provided, single submitter. Criteria: ACMG Guidelines, 2015. Collection method: clinical testing. Allele origin: germline.

Fulgent Genetics
Classification: Uncertain significance for Factor I deficiency; Atypical hemolytic-uremic syndrome with I factor anomaly; Age related macular degeneration 13. Last evaluated: 2021-07-12. Review status: criteria provided, single submitter. Criteria: ACMG Guidelines, 2015. Collection method: clinical testing. Allele origin: unknown.

Literature cited by the submitters: PubMed 35619721 (cited by 3 submitters).